The following is an entry in ClinVar:

NM_001111067.4(ACVR1):c.402A>G (p.Ala134=)

Gene: ACVR1 (activin A receptor type 1; minus strand). Cytogenetic location: 2q24.1.
Variant type: single nucleotide variant.
Coding change: c.402A>G on transcript NM_001111067.4 (MANE Select); coding-DNA position 402, A replaced by G.
Protein change: p.Ala134=; no amino-acid change (alanine 134 retained).
Molecular consequence: synonymous variant.
Genome position (GRCh38, 1-based): chr2:157,778,272, T>C on the plus strand (A>G on the coding strand, the complement: ACVR1 is on the minus strand). VCF-style: chr2-157778272-T-C. GRCh37 (hg19) VCF-style: chr2-158634784-T-C.
Other names: c.402A>G, p.Ala134= (NM_001105.5, NM_001347663.1, NM_001347664.1 and 3 more transcripts).
Identifiers: ClinVar variation 2979530 (VCV002979530.3), dbSNP rs2467962006, ClinGen allele CA429594520.

ClinVar aggregate classification (germline): Uncertain significance (1 of 4 stars; one submission).

Submission:

Labcorp Genetics (formerly Invitae), Labcorp
Classification: Uncertain significance. Last evaluated: 2023-10-14. Review status: criteria provided, single submitter. Criteria: Invitae Variant Classification Sherloc (09022015). Collection method: clinical testing. Allele origin: germline.
Comment: This sequence change affects codon 134 of the ACVR1 mRNA. It is a 'silent' change, meaning that it does not change the encoded amino acid sequence of the ACVR1 protein. This variant is not present in population databases (gnomAD no frequency). This variant has not been reported in the literature in individuals affected with ACVR1-related conditions. Algorithms developed to predict the effect of sequence changes on RNA splicing suggest that this variant may create or strengthen a splice site. In summary, the available evidence is currently insufficient to determine the role of this variant in disease. Therefore, it has been classified as a Variant of Uncertain Significance.